The following is an entry in ClinVar:

NM_031942.5(CDCA7):c.250G>A (p.Asp84Asn)

Gene: CDCA7 (cell division cycle associated 7; plus strand). Cytogenetic location: 2q31.1.
Variant type: single nucleotide variant.
Coding change: c.250G>A on transcript NM_031942.5 (MANE Select); coding-DNA position 250, G replaced by A.
Protein change: p.Asp84Asn; replaces aspartic acid 84 with asparagine.
Molecular consequence: missense variant. On other transcripts: intron variant (1).
Genome position (GRCh38, 1-based): chr2:173,359,357, G>A. VCF-style: chr2-173359357-G-A. GRCh37 (hg19) VCF-style: chr2-174224085-G-A.
Other names: c.147+520G>A (NM_145810.3); short protein forms D84N.
Identifiers: ClinVar variation 1492977 (VCV001492977.5), dbSNP rs1249247470, ClinGen allele CA349321619.

ClinVar aggregate classification (germline): Uncertain significance (1 of 4 stars; one submission).

Allele frequency attached by ClinVar (database versions not stated): gnomAD exomes 0.00001.
gnomAD v4.1: 11 of 1,614,204 alleles (0.00068%); highest among the groups gnomAD compares: Non-Finnish European, 0.00093%; no homozygotes.

Submission:

Labcorp Genetics (formerly Invitae), Labcorp
Classification: Uncertain significance. Last evaluated: 2021-08-14. Review status: criteria provided, single submitter. Criteria: Invitae Variant Classification Sherloc (09022015). Collection method: clinical testing. Allele origin: germline.
Comment: This sequence change replaces aspartic acid with asparagine at codon 84 of the CDCA7 protein (p.Asp84Asn). The aspartic acid residue is weakly conserved and there is a small physicochemical difference between aspartic acid and asparagine. This variant is not present in population databases (ExAC no frequency). This variant has not been reported in the literature in individuals affected with CDCA7-related conditions. Algorithms developed to predict the effect of missense changes on protein structure and function are either unavailable or do not agree on the potential impact of this missense change (SIFT: "Deleterious"; PolyPhen-2: "Probably Damaging"; Align-GVGD: "Class C0"). In summary, the available evidence is currently insufficient to determine the role of this variant in disease. Therefore, it has been classified as a Variant of Uncertain Significance.